The following is an entry in ClinVar:

NM_000936.4(PNLIP):c.1012G>A (p.Val338Met)

Gene: PNLIP (pancreatic lipase; plus strand). Cytogenetic location: 10q25.3.
Variant type: single nucleotide variant.
Coding change: c.1012G>A on transcript NM_000936.4 (MANE Select); coding-DNA position 1012, G replaced by A.
Protein change: p.Val338Met; replaces valine 338 with methionine.
Molecular consequence: missense variant.
Genome position (GRCh38, 1-based): chr10:116,559,235, G>A. VCF-style: chr10-116559235-G-A. GRCh37 (hg19) VCF-style: chr10-118318747-G-A.
Other names: short protein forms V338M.
Identifiers: ClinVar variation 2840011 (VCV002840011.3), dbSNP rs367675671, ClinGen allele CA214647109.

ClinVar aggregate classification (germline): Uncertain significance (1 of 4 stars; one submission).

Allele frequency attached by ClinVar (database versions not stated): gnomAD exomes below 0.00001; TOPMed below 0.00001; ESP Exome Variant Server 0.00008.
gnomAD v4.1: 1 of 1,614,080 alleles (0.000062%); highest among the groups gnomAD compares: Non-Finnish European, 0.000085%; no homozygotes.

Submission:

Labcorp Genetics (formerly Invitae), Labcorp
Classification: Uncertain significance. Last evaluated: 2023-11-20. Review status: criteria provided, single submitter. Criteria: Invitae Variant Classification Sherloc (09022015). Collection method: clinical testing. Allele origin: germline.
Comment: This sequence change replaces valine, which is neutral and non-polar, with methionine, which is neutral and non-polar, at codon 338 of the PNLIP protein (p.Val338Met). This variant is not present in population databases (gnomAD no frequency). This variant has not been reported in the literature in individuals affected with PNLIP-related conditions. Advanced modeling of protein sequence and biophysical properties (such as structural, functional, and spatial information, amino acid conservation, physicochemical variation, residue mobility, and thermodynamic stability) performed at Invitae indicates that this missense variant is not expected to disrupt PNLIP protein function with a negative predictive value of 80%. In summary, the available evidence is currently insufficient to determine the role of this variant in disease. Therefore, it has been classified as a Variant of Uncertain Significance.